The following is an entry in ClinVar:

NM_000535.7(PMS2):c.1492_1502del (p.Ser498fs)

Gene: PMS2 (PMS1 homolog 2, mismatch repair system component; minus strand). Cytogenetic location: 7p22.1.
Variant type: Deletion.
Coding change: c.1492_1502del on transcript NM_000535.7 (MANE Select); coding-DNA positions 1492 to 1502, 11 bases deleted (AGCACTTCCGT).
Protein change: p.Ser498fs; shifts the reading frame from serine 498.
Molecular consequence: frameshift variant. On other transcripts: non-coding transcript variant (1).
Genome position (GRCh38, 1-based): chr7:5,987,263-5,987,273, ACGGAAGTGCT deleted on the plus strand (AGCACTTCCGT on the coding strand, the reverse complement: PMS2 is on the minus strand). VCF-style (leftmost placement, unchanged base first): chr7-5987262-CACGGAAGTGCT-C. GRCh37 (hg19) VCF-style: chr7-6026893-CACGGAAGTGCT-C.
Other names: c.1492_1502delAGCACTTCCGT (NM_000535.5); c.1492_1502del (NM_000535.5); c.1087_1097del, p.Ser363fs (NM_001322003.2, NM_001322004.2, NM_001322005.2 and 1 more transcripts); c.1336_1346del, p.Ser446fs (NM_001322006.2); c.1174_1184del, p.Ser392fs (NM_001322007.2, NM_001322008.2); c.931_941del, p.Ser311fs (NM_001322010.2); c.559_569del, p.Ser187fs (NM_001322011.2, NM_001322012.2); c.919_929del, p.Ser307fs (NM_001322013.2); and 2 more; short protein forms S307fs, S392fs, S395fs, S363fs, S187fs, S446fs, S311fs, S498fs.
Identifiers: ClinVar variation 233521 (VCV000233521.17), dbSNP rs876660459, ClinGen allele CA10578674.
Genomic context (GRCh38, chr7:5,987,262, plus strand): 5'-GGCCGCATACTCGCTGCTGCAGTGACTGCCCGTGTCTGGGATGCTGAACCCCTCAGAATC[CACGGAAGTGCT>C]GCCGTGCCCCGAGTCCTTCTCCACCTCCGCTCTGTCCGTAGGGTCACTGGGTCCGTGACT-3'

ClinVar aggregate classification (germline): Pathogenic. Review status: criteria provided, multiple submitters, no conflicts (2 of 4 stars). 5 submissions from 5 submitters: Pathogenic (5). Last evaluated 2025-10-20.

Conditions:
Hereditary cancer-predisposing syndrome. Also called: Neoplastic Syndromes, Hereditary; Tumor predisposition; Hereditary Cancer Syndrome; Hereditary neoplastic syndrome. Identifiers: Orphanet 140162, MedGen C0027672, MeSH D009386, MONDO:0015356.
Hereditary nonpolyposis colorectal neoplasms. Identifiers: MedGen C0009405, MeSH D003123.
Lynch syndrome 4 (LYNCH4). Also called: Colorectal cancer, hereditary nonpolyposis, type 4; Hereditary non-polyposis colorectal cancer, type 4. Identifiers: Orphanet 144, MedGen C1838333, MONDO:0013699, OMIM 614337. Disease mechanism: loss of function.

Submissions (5):

Color Diagnostics, LLC DBA Color Health
Classification: Pathogenic for Hereditary cancer-predisposing syndrome. Last evaluated: 2025-10-20. Review status: criteria provided, single submitter. Criteria: ACMG Guidelines, 2015. Collection method: clinical testing. Allele origin: germline.
Comment: This variant deletes 11 nucleotides in exon 11 of the PMS2 gene, creating a frameshift and premature translation stop signal. This variant is expected to result in an absent or non-functional protein product. This variant has been reported in individuals affected with colorectal cancer whose tumor showed loss of PMS2 expression by immunohistochemistry and/or microsatellite instability (PMID: 26232782, 26895986). This variant has not been identified in the general population by the Genome Aggregation Database (gnomAD). Loss of PMS2 function is a known mechanism of disease. Based on the available evidence, this variant is classified as Pathogenic.

Myriad Genetics, Inc.
Classification: Pathogenic for Lynch syndrome 4. Last evaluated: 2024-08-14. Review status: criteria provided, single submitter. Criteria: Myriad Autosomal Dominant, Autosomal Recessive and X-Linked Classification Criteria (2023). Collection method: clinical testing. Allele origin: unknown.
Comment: This variant is considered pathogenic. This variant creates a frameshift predicted to result in premature protein truncation.

Ambry Genetics
Classification: Pathogenic for Hereditary cancer-predisposing syndrome. Last evaluated: 2023-01-25. Review status: criteria provided, single submitter. Criteria: Ambry General Variant Classification Scheme_2022. Collection method: clinical testing. Allele origin: germline.
Comment: The c.1492_1502del11 pathogenic mutation, located in coding exon 11 of the PMS2 gene, results from a deletion of 11 nucleotides at nucleotide positions 1492 to 1502, causing a translational frameshift with a predicted alternate stop codon (p.S498Gfs*3). This alteration has been reported in two individuals affected with colorectal cancer in their sixties from a cohort of patients whose tumors showed isolated loss of PMS2 on immunohistochemistry (IHC) (Rosty C et al. BMJ Open, 2016 Feb;6:e010293). This variant is considered to be rare based on population cohorts in the Genome Aggregation Database (gnomAD). In addition to the clinical data presented in the literature, this alteration is expected to result in loss of function by premature protein truncation or nonsense-mediated mRNA decay. As such, this alteration is interpreted as a disease-causing mutation.

GeneDx
Classification: Pathogenic. Last evaluated: 2022-01-07. Review status: criteria provided, single submitter. Criteria: GeneDx Variant Classification Process June 2021. Collection method: clinical testing. Allele origin: germline. Affected: yes.
Comment: Frameshift variant predicted to result in protein truncation or nonsense mediated decay in a gene for which loss-of-function is a known mechanism of disease; Not observed at significant frequency in large population cohorts (gnomAD); Truncating variants in this gene are considered pathogenic by a well-established clinical consortium and/or database; Observed in individuals with colorectal cancers showing loss of PMS2 via immunohistochemisty (Nomura et al., 2015; Rosty C et al., 2016); This variant is associated with the following publications: (PMID: 26895986, 26232782, 30719162)

Labcorp Genetics (formerly Invitae), Labcorp
Classification: Pathogenic for Hereditary nonpolyposis colorectal neoplasms. Last evaluated: 2020-07-23. Review status: criteria provided, single submitter. Criteria: Invitae Variant Classification Sherloc (09022015). Collection method: clinical testing. Allele origin: germline.
Comment: This variant has been observed in several individuals affected with colorectal cancer (PMID: 26232782, 26895986). This variant is also known as c.1492del11 in the literature. ClinVar contains an entry for this variant (Variation ID: 233521). This variant is not present in population databases (ExAC no frequency). This sequence change creates a premature translational stop signal (p.Ser498Glyfs*3) in the PMS2 gene. It is expected to result in an absent or disrupted protein product. Loss-of-function variants in PMS2 are known to be pathogenic (PMID: 21376568, 24362816). For these reasons, this variant has been classified as Pathogenic.

Literature cited by the submitters: PubMed 26232782 (cited by 3 submitters); PubMed 26895986 (cited by 3 submitters); PubMed 21376568 (cited by Labcorp Genetics (formerly Invitae), Labcorp); PubMed 24362816 (cited by Labcorp Genetics (formerly Invitae), Labcorp).